The following is an entry in ClinVar:

NM_000231.3(SGCG):c.544C>T (p.Pro182Ser)

Gene: SGCG (sarcoglycan gamma; plus strand). Cytogenetic location: 13q12.12.
Variant type: single nucleotide variant.
Coding change: c.544C>T on transcript NM_000231.3 (MANE Select); coding-DNA position 544, C replaced by T.
Protein change: p.Pro182Ser; replaces proline 182 with serine.
Molecular consequence: missense variant.
Genome position (GRCh38, 1-based): chr13:23,295,453, C>T. VCF-style: chr13-23295453-C-T. GRCh37 (hg19) VCF-style: chr13-23869592-C-T.
Other names: p.Pro182Ser; c.598C>T, p.Pro200Ser (NM_001378244.1); c.544C>T, p.Pro182Ser (NM_001378245.1, NM_001378246.1); short protein forms P182S, P200S.
Identifiers: ClinVar variation 4541752 (VCV004541752.1).

ClinVar aggregate classification (germline): Uncertain significance (1 of 4 stars; one submission).

gnomAD v4.1: 2 of 1,613,976 alleles (0.00012%); highest among the groups gnomAD compares: East Asian, 0.0022%; no homozygotes.

Submission:

Mayo Clinic Laboratories, Mayo Clinic
Classification: Uncertain significance. Last evaluated: 2025-05-04. Review status: criteria provided, single submitter. Criteria: ACMG Guidelines, 2015. Collection method: clinical testing. Allele origin: germline. Observed: 1 variant allele.
Comment: PP3, PM2_supporting